The following is an entry in ClinVar:

NM_015100.4(POGZ):c.1588A>C (p.Thr530Pro)

Gene: POGZ (pogo transposable element derived with ZNF domain; minus strand). Cytogenetic location: 1q21.3.
Variant type: single nucleotide variant.
Coding change: c.1588A>C on transcript NM_015100.4 (MANE Select); coding-DNA position 1588, A replaced by C.
Protein change: p.Thr530Pro; replaces threonine 530 with proline.
Molecular consequence: missense variant.
Genome position (GRCh38, 1-based): chr1:151,423,487, T>G on the plus strand (A>C on the coding strand, the complement: POGZ is on the minus strand). VCF-style: chr1-151423487-T-G. GRCh37 (hg19) VCF-style: chr1-151395963-T-G.
Other names: c.1561A>C, p.Thr521Pro (NM_001194937.2); c.1402A>C, p.Thr468Pro (NM_001194938.2); c.1609A>C, p.Thr537Pro (NM_001410860.1); c.1303A>C, p.Thr435Pro (NM_145796.4); c.1429A>C, p.Thr477Pro (NM_207171.2); short protein forms T435P, T468P, T477P, T521P, T530P, T537P.
Identifiers: ClinVar variation 3389832 (VCV003389832.14).

ClinVar aggregate classification (germline): Uncertain significance (1 of 4 stars; one submission).

Submission:

CeGaT Center for Human Genetics Tuebingen
Classification: Uncertain significance. Last evaluated: 2024-10-01. Review status: criteria provided, single submitter. Criteria: CeGaT Center For Human Genetics Tuebingen Variant Classification Criteria Version 2. Collection method: clinical testing. Allele origin: germline. Affected: yes. Observed: 1 variant allele.
Comment: POGZ: PM2